The following is an entry in ClinVar:

NM_001382.4(DPAGT1):c.406C>A (p.Leu136Ile)

Gene: DPAGT1 (dolichyl-phosphate N-acetylglucosaminephosphotransferase 1; minus strand). Cytogenetic location: 11q23.3.
Variant type: single nucleotide variant.
Coding change: c.406C>A on transcript NM_001382.4 (MANE Select); coding-DNA position 406, C replaced by A.
Protein change: p.Leu136Ile; replaces leucine 136 with isoleucine.
Molecular consequence: missense variant.
Genome position (GRCh38, 1-based): chr11:119,100,720, G>T on the plus strand (C>A on the coding strand, the complement: DPAGT1 is on the minus strand). VCF-style: chr11-119100720-G-T. GRCh37 (hg19) VCF-style: chr11-118971430-G-T.
Other names: short protein forms L136I.
Identifiers: ClinVar variation 1429953 (VCV001429953.6), dbSNP rs1946487020, ClinGen allele CA382915097.

ClinVar aggregate classification (germline): Uncertain significance (1 of 4 stars; one submission).

Conditions:
Congenital myasthenic syndrome 13 (CMS13). Also called: Myasthenic syndrome, congenital, 13, with tubular aggregates; Myasthenic syndrome, congenital, with tubular aggregates 2. Identifiers: Orphanet 353327, Orphanet 590, MedGen C3553645, MONDO:0013883, OMIM 614750.
DPAGT1-congenital disorder of glycosylation. Also called: CDG Ij; DPAGT1-CDG; CONGENITAL DISORDER OF GLYCOSYLATION, TYPE Ij. Identifiers: Orphanet 86309, MedGen C2931004, MONDO:0011964, OMIM 608093.

Allele frequency attached by ClinVar (database versions not stated): gnomAD exomes below 0.00001.
gnomAD v4.1: 7 of 1,614,180 alleles (0.00043%); highest among the groups gnomAD compares: Non-Finnish European, 0.00059%; no homozygotes.

Submission:

Labcorp Genetics (formerly Invitae), Labcorp
Classification: Uncertain significance for Congenital myasthenic syndrome 13; DPAGT1-congenital disorder of glycosylation. Last evaluated: 2021-07-28. Review status: criteria provided, single submitter. Criteria: Invitae Variant Classification Sherloc (09022015). Collection method: clinical testing. Allele origin: germline.
Comment: In summary, the available evidence is currently insufficient to determine the role of this variant in disease. Therefore, it has been classified as a Variant of Uncertain Significance. Algorithms developed to predict the effect of missense changes on protein structure and function are either unavailable or do not agree on the potential impact of this missense change (SIFT: "Deleterious"; PolyPhen-2: "Probably Damaging"; Align-GVGD: "Class C0"). This variant has not been reported in the literature in individuals affected with DPAGT1-related conditions. This variant is not present in population databases (ExAC no frequency). This sequence change replaces leucine with isoleucine at codon 136 of the DPAGT1 protein (p.Leu136Ile). The leucine residue is highly conserved and there is a small physicochemical difference between leucine and isoleucine.